The following is an entry in ClinVar:

NM_000271.5(NPC1):c.2798C>T (p.Thr933Ile)

Gene: NPC1 (NPC intracellular cholesterol transporter 1; minus strand). Cytogenetic location: 18q11.2.
Variant type: single nucleotide variant.
Coding change: c.2798C>T on transcript NM_000271.5 (MANE Select); coding-DNA position 2798, C replaced by T.
Protein change: p.Thr933Ile; replaces threonine 933 with isoleucine.
Molecular consequence: missense variant.
Genome position (GRCh38, 1-based): chr18:23,539,468, G>A on the plus strand (C>T on the coding strand, the complement: NPC1 is on the minus strand). VCF-style: chr18-23539468-G-A. GRCh37 (hg19) VCF-style: chr18-21119432-G-A.
Other names: short protein forms T933I.
Identifiers: ClinVar variation 1012908 (VCV001012908.42), dbSNP rs752107020, ClinGen allele CA297081212.

ClinVar aggregate classification (germline): Uncertain significance. Review status: criteria provided, multiple submitters, no conflicts (2 of 4 stars). 2 submissions from 2 submitters: Uncertain significance (2). Last evaluated 2022-07-14.

Conditions:
Niemann-Pick disease, type C1. Also called: NIEMANN-PICK DISEASE, VARIANT TYPE C1; NEUROVISCERAL STORAGE DISEASE WITH VERTICAL SUPRANUCLEAR OPHTHALMOPLEGIA; NIEMANN-PICK DISEASE WITH CHOLESTEROL ESTERIFICATION BLOCK; NIEMANN-PICK DISEASE WITHOUT SPHINGOMYELINASE DEFICIENCY; NIEMANN-PICK DISEASE, CHRONIC NEURONOPATHIC FORM. Identifiers: Orphanet 646, MedGen C3179455, MONDO:0009757, OMIM 257220.

Allele frequency attached by ClinVar (database versions not stated): TOPMed below 0.00001; gnomAD exomes 0.00001.
gnomAD v4.1: 10 of 1,607,654 alleles (0.00062%); highest among the groups gnomAD compares: Non-Finnish European, 0.00085%; no homozygotes.

Submissions (2):

Labcorp Genetics (formerly Invitae), Labcorp
Classification: Uncertain significance for Niemann-Pick disease, type C1. Last evaluated: 2022-07-14. Review status: criteria provided, single submitter. Criteria: Invitae Variant Classification Sherloc (09022015). Collection method: clinical testing. Allele origin: germline.
Comment: This sequence change replaces threonine, which is neutral and polar, with isoleucine, which is neutral and non-polar, at codon 933 of the NPC1 protein (p.Thr933Ile). This variant is not present in population databases (gnomAD no frequency). This variant has not been reported in the literature in individuals affected with NPC1-related conditions. ClinVar contains an entry for this variant (Variation ID: 1012908). Algorithms developed to predict the effect of missense changes on protein structure and function are either unavailable or do not agree on the potential impact of this missense change (SIFT: "Deleterious"; PolyPhen-2: "Possibly Damaging"; Align-GVGD: "Class C15"). In summary, the available evidence is currently insufficient to determine the role of this variant in disease. Therefore, it has been classified as a Variant of Uncertain Significance.

CeGaT Center for Human Genetics Tuebingen
Classification: Uncertain significance. Last evaluated: 2021-09-01. Review status: criteria provided, single submitter. Criteria: CeGaT Center For Human Genetics Tuebingen Variant Classification Criteria Version 2. Collection method: clinical testing. Allele origin: germline. Affected: yes. Observed: 2 variant alleles.